The following is an entry in ClinVar:

NM_144508.5(KNL1):c.6796C>G (p.Pro2266Ala)

Gene: KNL1 (kinetochore scaffold 1; plus strand). Cytogenetic location: 15q15.1.
Variant type: single nucleotide variant.
Coding change: c.6796C>G on transcript NM_144508.5 (MANE Select); coding-DNA position 6796, C replaced by G.
Protein change: p.Pro2266Ala; replaces proline 2266 with alanine.
Molecular consequence: missense variant.
Genome position (GRCh38, 1-based): chr15:40,659,421, C>G. VCF-style: chr15-40659421-C-G. GRCh37 (hg19) VCF-style: chr15-40951619-C-G.
Other names: c.6874C>G, p.Pro2292Ala (NM_170589.5); short protein forms P2292A, P2266A.
Identifiers: ClinVar variation 422641 (VCV000422641.9), dbSNP rs536166099, ClinGen allele CA7483829.

ClinVar aggregate classification (germline): Uncertain significance. Review status: criteria provided, multiple submitters, no conflicts (2 of 4 stars). 3 submissions from 3 submitters: Uncertain significance (3). Last evaluated 2019-04-12.

Conditions:
Microcephaly 4, primary, autosomal recessive. Identifiers: Orphanet 2512, MedGen C1858516, MONDO:0011437, OMIM 604321.

Allele frequency attached by ClinVar (database versions not stated): TOPMed 0.00001; gnomAD 0.00004.
gnomAD v4.1: 47 of 1,613,706 alleles (0.0029%); highest among the groups gnomAD compares: Non-Finnish European, 0.0037%; no homozygotes.

Submissions (3):

GeneDx
Classification: Uncertain significance. Last evaluated: 2019-04-12. Review status: criteria provided, single submitter. Criteria: GeneDx Variant Classification Process June 2021. Collection method: clinical testing. Allele origin: germline. Affected: yes.
Comment: Not observed at a significant frequency in large population cohorts (Lek et al., 2016); In silico analysis, which includes protein predictors and evolutionary conservation, supports a deleterious effect; Has not been previously published as pathogenic or benign to our knowledge

Fulgent Genetics
Classification: Uncertain significance for Microcephaly 4, primary, autosomal recessive. Last evaluated: 2018-10-31. Review status: criteria provided, single submitter. Criteria: ACMG Guidelines, 2015. Collection method: clinical testing. Allele origin: unknown.

Genetic Services Laboratory, University of Chicago
Classification: Uncertain significance. Last evaluated: 2017-04-13. Review status: criteria provided, single submitter. Criteria: ACMG Guidelines, 2015. Collection method: clinical testing. Allele origin: germline. Affected: no.